The following is an entry in ClinVar:

NM_000179.3(MSH6):c.3684A>C (p.Ala1228=)

Gene: MSH6 (mutS homolog 6; plus strand). Cytogenetic location: 2p16.3.
Variant type: single nucleotide variant.
Coding change: c.3684A>C on transcript NM_000179.3 (MANE Select); coding-DNA position 3684, A replaced by C.
Protein change: p.Ala1228=; no amino-acid change (alanine 1228 retained).
Molecular consequence: synonymous variant.
Genome position (GRCh38, 1-based): chr2:47,806,241, A>C. VCF-style: chr2-47806241-A-C. GRCh37 (hg19) VCF-style: chr2-48033380-A-C.
Other names: c.3294A>C, p.Ala1098= (NM_001281492.2); c.2778A>C, p.Ala926= (NM_001281493.2, NM_001281494.2).
Identifiers: ClinVar variation 1099213 (VCV001099213.11), dbSNP rs2104538809, ClinGen allele CA425997794.

ClinVar aggregate classification (germline): Benign/Likely benign. Review status: criteria provided, multiple submitters, no conflicts (2 of 4 stars). 2 submissions from 2 submitters: Benign (1); Likely benign (1). Last evaluated 2025-01-07.

Conditions:
Hereditary nonpolyposis colorectal neoplasms. Identifiers: MedGen C0009405, MeSH D003123.
Lynch syndrome 5 (LYNCH5). Also called: Colorectal cancer, hereditary nonpolyposis, type 5; Hereditary non-polyposis colorectal cancer, type 5. Identifiers: Orphanet 144, MedGen C1833477, MONDO:0013710, OMIM 614350. Disease mechanism: loss of function.

Submissions (2):

Myriad Genetics, Inc.
Classification: Benign for Lynch syndrome 5. Last evaluated: 2025-01-07. Review status: criteria provided, single submitter. Criteria: Myriad Autosomal Dominant, Autosomal Recessive and X-Linked Classification Criteria (2023). Collection method: clinical testing. Allele origin: unknown.
Comment: This variant is considered benign. This variant is a silent/synonymous amino acid change and it is not expected to impact splicing.

Labcorp Genetics (formerly Invitae), Labcorp
Classification: Likely benign for Hereditary nonpolyposis colorectal neoplasms. Last evaluated: 2020-02-24. Review status: criteria provided, single submitter. Criteria: Invitae Variant Classification Sherloc (09022015). Collection method: clinical testing. Allele origin: germline.